The following is an entry in ClinVar:

ClinVar aggregate classification (germline): Pathogenic (1 of 4 stars; one submission).

Conditions:
Bethlem myopathy 1A. Also called: Bethlem myopathy 1; Bethlem Muscular Dystrophy; MYOPATHY, BENIGN CONGENITAL, WITH CONTRACTURES. Identifiers: Orphanet 610, MedGen CN029274, MONDO:0024530, OMIM 158810.

gnomAD v4.1: 1 of 1,605,816 alleles (0.000062%); no homozygotes.

Submission:

Labcorp Genetics (formerly Invitae), Labcorp
Classification: Pathogenic for Bethlem myopathy 1A. Last evaluated: 2021-08-05. Review status: criteria provided, single submitter. Criteria: Invitae Variant Classification Sherloc (09022015). Collection method: clinical testing. Allele origin: germline.
Comment: For these reasons, this variant has been classified as Pathogenic. This sequence change creates a premature translational stop signal (p.Gln826*) in the COL6A2 gene. While this is not anticipated to result in nonsense mediated decay, it is expected to disrupt the last 194 amino acid(s) of the COL6A2 protein. This variant is not present in population databases (ExAC no frequency). This variant has not been reported in the literature in individuals with COL6A2-related conditions. This variant disrupts the C-terminus of the COL6A2 protein. Other variant(s) that disrupt this region (p.Tyr1002*) have been determined to be pathogenic (PMID: 29419890). This suggests that variants that disrupt this region of the protein are likely to be causative of disease.

Literature cited by the submitters: PubMed 29419890.

NM_001849.4(COL6A2):c.2476C>T (p.Gln826Ter)

Gene: COL6A2 (collagen type VI alpha 2 chain; plus strand). Cytogenetic location: 21q22.3.
Variant type: single nucleotide variant.
Coding change: c.2476C>T on transcript NM_001849.4 (MANE Select); coding-DNA position 2476, C replaced by T.
Protein change: p.Gln826Ter; replaces glutamine 826 with a stop codon.
Molecular consequence: nonsense.
Genome position (GRCh38, 1-based): chr21:46,131,968, C>T. VCF-style: chr21-46131968-C-T. GRCh37 (hg19) VCF-style: chr21-47551882-C-T.
Other names: short protein forms Q826*.
Identifiers: ClinVar variation 1459592 (VCV001459592.8), dbSNP rs2123454401, ClinGen allele CA410547859.
Genomic context (GRCh38, chr21:46,131,968, plus strand): 5'-CTGCCCACCTCCCCTCCGCCCAGCCCGCACCTGCGTCTCCCCACAGAGCTGTCCGTGGCA[C>T]AGTGCACGCAGCGGCCCGTGGACATCGTCTTCCTGCTGGACGGCTCCGAGCGGCTGGGTG-3'